The following is an entry in ClinVar:

NM_001298.3(CNGA3):c.473C>A (p.Ala158Glu)

Gene: CNGA3 (cyclic nucleotide gated channel subunit alpha 3; plus strand). Cytogenetic location: 2q11.2.
Variant type: single nucleotide variant.
Coding change: c.473C>A on transcript NM_001298.3 (MANE Select); coding-DNA position 473, C replaced by A.
Protein change: p.Ala158Glu; replaces alanine 158 with glutamic acid.
Molecular consequence: missense variant.
Genome position (GRCh38, 1-based): chr2:98,389,681, C>A. VCF-style: chr2-98389681-C-A. GRCh37 (hg19) VCF-style: chr2-99006144-C-A.
Other names: c.419C>A, p.Ala140Glu (NM_001079878.2); short protein forms A140E, A158E.
Identifiers: ClinVar variation 1473422 (VCV001473422.7), dbSNP rs138934573, ClinGen allele CA1793769.

ClinVar aggregate classification (germline): Uncertain significance (1 of 4 stars; one submission).

gnomAD v4.1: 3 of 1,613,754 alleles (0.00019%); highest among the groups gnomAD compares: Admixed American, 0.0033%; no homozygotes.

Submission:

Labcorp Genetics (formerly Invitae), Labcorp
Classification: Uncertain significance. Last evaluated: 2024-07-29. Review status: criteria provided, single submitter. Criteria: Invitae Variant Classification Sherloc (09022015). Collection method: clinical testing. Allele origin: germline.
Comment: This sequence change replaces alanine, which is neutral and non-polar, with glutamic acid, which is acidic and polar, at codon 158 of the CNGA3 protein (p.Ala158Glu). This variant is present in population databases (rs138934573, gnomAD 0.003%). This variant has not been reported in the literature in individuals affected with CNGA3-related conditions. ClinVar contains an entry for this variant (Variation ID: 1473422). Advanced modeling of protein sequence and biophysical properties (such as structural, functional, and spatial information, amino acid conservation, physicochemical variation, residue mobility, and thermodynamic stability) performed at Invitae indicates that this missense variant is not expected to disrupt CNGA3 protein function with a negative predictive value of 95%. In summary, the available evidence is currently insufficient to determine the role of this variant in disease. Therefore, it has been classified as a Variant of Uncertain Significance.